The following is an entry in ClinVar:

ClinVar aggregate classification (germline): Uncertain significance. Review status: criteria provided, multiple submitters, no conflicts (2 of 4 stars). 4 submissions from 3 submitters: Uncertain significance (4). Last evaluated 2025-07-15.

Conditions:
Retinitis pigmentosa (RP). Identifiers: Orphanet 791, MedGen C0035334, MeSH D012174, MONDO:0019200, OMIM 268000. Inheritance: Autosomal dominant, autosomal recessive and X linked inheritance.
Retinitis pigmentosa 13 (RP13). Also called: PRPF 8-Related Retinitis Pigmentosa. Identifiers: Orphanet 791, MedGen C1838702, MONDO:0010806, OMIM 600059.
Inborn genetic diseases. Identifiers: MedGen C0950123, MeSH D030342.

Allele frequency attached by ClinVar (database versions not stated): ExAC 0.00001.
gnomAD v4.1: 3 of 1,612,820 alleles (0.00019%); highest among the groups gnomAD compares: African/African-American, 0.0013%; no homozygotes.

Submissions (4):

Ambry Genetics
Classification: Uncertain significance for Inborn genetic diseases. Last evaluated: 2025-07-15. Review status: criteria provided, single submitter. Criteria: Ambry Variant Classification Scheme 2023. Collection method: clinical testing. Allele origin: germline.

Labcorp Genetics (formerly Invitae), Labcorp
Classification: Uncertain significance. Last evaluated: 2025-02-26. Review status: criteria provided, single submitter. Criteria: Invitae Variant Classification Sherloc (09022015). Collection method: clinical testing. Allele origin: germline.
Comment: This sequence change replaces arginine, which is basic and polar, with histidine, which is basic and polar, at codon 309 of the PRPF8 protein (p.Arg309His). This variant is present in population databases (rs775023296, gnomAD 0.007%). This variant has not been reported in the literature in individuals affected with PRPF8-related conditions. ClinVar contains an entry for this variant (Variation ID: 374176). Invitae Evidence Modeling of protein sequence and biophysical properties (such as structural, functional, and spatial information, amino acid conservation, physicochemical variation, residue mobility, and thermodynamic stability) indicates that this missense variant is expected to disrupt PRPF8 protein function with a positive predictive value of 80%. In summary, the available evidence is currently insufficient to determine the role of this variant in disease. Therefore, it has been classified as a Variant of Uncertain Significance.

Centre for Mendelian Genomics, University Medical Centre Ljubljana
Classification: Uncertain significance for Retinitis pigmentosa 13. Last evaluated: 2019-08-22. Review status: criteria provided, single submitter. Criteria: ACMG Guidelines, 2015. Collection method: clinical testing. Allele origin: unknown. Affected: yes.
Comment: This variant was classified as: Uncertain significance. The available evidence on this variant's pathogenicity is insufficient or conflicting. The following ACMG criteria were applied in classifying this variant: PP3.

Centre for Mendelian Genomics, University Medical Centre Ljubljana
Classification: Uncertain significance for Retinitis pigmentosa. Last evaluated: 2013-12-10. Review status: criteria provided, single submitter. Criteria: ACMG Guidelines, 2015. Collection method: clinical testing. Allele origin: unknown. Affected: yes.

NM_006445.4(PRPF8):c.926G>A (p.Arg309His)

Gene: PRPF8 (pre-mRNA processing factor 8; minus strand). Cytogenetic location: 17p13.3.
Variant type: single nucleotide variant.
Coding change: c.926G>A on transcript NM_006445.4 (MANE Select); coding-DNA position 926, G replaced by A.
Protein change: p.Arg309His; replaces arginine 309 with histidine.
Molecular consequence: missense variant.
Genome position (GRCh38, 1-based): chr17:1,680,995, C>T on the plus strand (G>A on the coding strand, the complement: PRPF8 is on the minus strand). VCF-style: chr17-1680995-C-T. GRCh37 (hg19) VCF-style: chr17-1584289-C-T.
Other names: short protein forms R309H.
Identifiers: ClinVar variation 374176 (VCV000374176.10), dbSNP rs775023296, ClinGen allele CA8272508.
Genomic context (GRCh38, chr17:1,680,995, plus strand): 5'-AGGTGGACATGGTGTGGAAGATTGTTGTACAAGTAAGGAAAAGCAATCTTGTACTCAGTG[C>T]GGATAGGCTGCCGGATGATAATCTTGTTAATATCATTGAATTCATTCCAGTCTTCATCCC-3'
Protein context (NP_006436.3, residues 299-319): INKIIIRQPI[Arg309His]TEYKIAFPYL